The following is an entry in ClinVar:

NM_004415.4(DSP):c.4202A>T (p.Glu1401Val)

Gene: DSP (desmoplakin; plus strand). Cytogenetic location: 6p24.3.
Variant type: single nucleotide variant.
Coding change: c.4202A>T on transcript NM_004415.4 (MANE Select); coding-DNA position 4202, A replaced by T.
Protein change: p.Glu1401Val; replaces glutamic acid 1401 with valine.
Molecular consequence: missense variant. On other transcripts: intron variant (2).
Genome position (GRCh38, 1-based): chr6:7,580,392, A>T. VCF-style: chr6-7580392-A-T. GRCh37 (hg19) VCF-style: chr6-7580625-A-T.
Other names: c.4050+152A>T (NM_001319034.2); c.3582+620A>T (NM_001008844.3); short protein forms E1401V.
Identifiers: ClinVar variation 1017114 (VCV001017114.13), dbSNP rs1759389046, ClinGen allele CA362685777.

ClinVar aggregate classification (germline): Uncertain significance. Review status: criteria provided, multiple submitters, no conflicts (2 of 4 stars). 3 submissions from 3 submitters: Uncertain significance (3). Last evaluated 2024-08-13.

Conditions:
Cardiovascular phenotype. Identifiers: MedGen CN230736.
Arrhythmogenic cardiomyopathy with wooly hair and keratoderma. Also called: Dilated cardiomyopathy with woolly hair and keratoderma; Carvajal syndrome; Arrhythmogenic cardiomyopathy with woolly hair and keratoderma; PALMOPLANTAR KERATODERMA WITH LEFT VENTRICULAR CARDIOMYOPATHY AND WOOLLY HAIR. Identifiers: Orphanet 65282, MedGen C1854063, MONDO:0011581, OMIM 605676.
Arrhythmogenic right ventricular dysplasia 8 (ARVD8). Also called: ARRHYTHMOGENIC RIGHT VENTRICULAR DYSPLASIA, FAMILIAL, 8; Arrhythmogenic Right Ventricular Dysplasia/Cardiomyopathy 8; ARRHYTHMOGENIC RIGHT VENTRICULAR CARDIOMYOPATHY 8. Identifiers: MedGen C1843896, MONDO:0011831, OMIM 607450.

Allele frequency attached by ClinVar (database versions not stated): gnomAD exomes below 0.00001.
gnomAD v4.1: 2 of 1,614,144 alleles (0.00012%); highest among the groups gnomAD compares: Non-Finnish European, 0.00017%; no homozygotes.

Submissions (3):

All of Us Research Program, National Institutes of Health
Classification: Uncertain significance for Arrhythmogenic cardiomyopathy with wooly hair and keratoderma. Last evaluated: 2024-08-13. Review status: criteria provided, single submitter. Criteria: ACMG Guidelines, 2015. Collection method: clinical testing. Allele origin: germline. Inheritance: Autosomal dominant inheritance. Observed: 1 variant allele, 1 heterozygote.
Comment: This missense variant replaces glutamic acid with valine at codon 1401 of the DSP protein. Computational prediction is inconclusive regarding the impact of this variant on protein structure and function (internally defined REVEL score threshold 0.5 < inconclusive < 0.7, PMID: 27666373). To our knowledge, functional studies have not been reported for this variant. This variant has not been reported in individuals affected with DSP-related disorders in the literature. This variant has not been identified in the general population by the Genome Aggregation Database (gnomAD). The available evidence is insufficient to determine the role of this variant in disease conclusively. Therefore, this variant is classified as a Variant of Uncertain Significance.

This study involves interpretation of variants in research participants for the purpose of population health screening. Participant phenotype was not available at the time of variant classification. Additional details can be found in publication PMID: 35346344, PMCID: PMC8962531

Ambry Genetics
Classification: Uncertain significance for Cardiovascular phenotype. Last evaluated: 2024-04-05. Review status: criteria provided, single submitter. Criteria: Ambry Variant Classification Scheme 2023. Collection method: clinical testing. Allele origin: germline.
Comment: The p.E1401V variant (also known as c.4202A>T), located in coding exon 23 of the DSP gene, results from an A to T substitution at nucleotide position 4202. The glutamic acid at codon 1401 is replaced by valine, an amino acid with dissimilar properties. This amino acid position is well conserved in available vertebrate species. In addition, this alteration is predicted to be deleterious by in silico analysis. Since supporting evidence is limited at this time, the clinical significance of this alteration remains unclear.

Labcorp Genetics (formerly Invitae), Labcorp
Classification: Uncertain significance for Arrhythmogenic cardiomyopathy with wooly hair and keratoderma; Arrhythmogenic right ventricular dysplasia 8. Last evaluated: 2023-06-18. Review status: criteria provided, single submitter. Criteria: Invitae Variant Classification Sherloc (09022015). Collection method: clinical testing. Allele origin: germline.
Comment: In summary, the available evidence is currently insufficient to determine the role of this variant in disease. Therefore, it has been classified as a Variant of Uncertain Significance. An algorithm developed to predict the effect of missense changes on protein structure and function (PolyPhen-2) suggests that this variant is likely to be disruptive. ClinVar contains an entry for this variant (Variation ID: 1017114). This variant has not been reported in the literature in individuals affected with DSP-related conditions. This variant is not present in population databases (gnomAD no frequency). This sequence change replaces glutamic acid, which is acidic and polar, with valine, which is neutral and non-polar, at codon 1401 of the DSP protein (p.Glu1401Val).